The following is an entry in ClinVar:

ClinVar aggregate classification (germline): Conflicting classifications of pathogenicity. Review status: criteria provided, conflicting classifications (1 of 4 stars). 8 submissions from 6 submitters: Uncertain significance (6); Likely benign (1). 1 of the submissions does not count toward it. Last evaluated 2026-05-12.

Conditions:
Cardiovascular phenotype. Identifiers: MedGen CN230736.
RASopathy. Also called: rasopathies; Noonan spectrum disorder. Identifiers: Orphanet 536391, MedGen C5555857, MONDO:0021060.
Fibromatosis, gingival, 1 (GINGF1). Identifiers: Orphanet 2024, MedGen C4551558, MONDO:0007609, OMIM 135300.
Noonan syndrome 4 (NS4). Also called: SOS1-Related Noonan Syndrome; NOONAN SYNDROME WITH PIGMENTED VILLONODULAR SYNOVITIS. Identifiers: Orphanet 648, MedGen C1853120, MONDO:0012547, OMIM 610733.

Allele frequency attached by ClinVar (database versions not stated): gnomAD 0.00001; gnomAD exomes below 0.00001; TOPMed 0.00002; ExAC 0.00001.
gnomAD v4.1: 14 of 1,613,688 alleles (0.00087%); highest among the groups gnomAD compares: Non-Finnish European, 0.0012%; no homozygotes.

Submissions (8):

Women's Health and Genetics/Laboratory Corporation of America, LabCorp
Classification: Uncertain significance. Last evaluated: 2026-05-12. Review status: criteria provided, single submitter. Criteria: LabCorp Variant Classification Summary - May 2015. Collection method: clinical testing. Allele origin: germline.

Labcorp Genetics (formerly Invitae), Labcorp
Classification: Likely benign for RASopathy. Last evaluated: 2025-12-29. Review status: criteria provided, single submitter. Criteria: Invitae Variant Classification Sherloc (09022015). Collection method: clinical testing. Allele origin: germline.

Ambry Genetics
Classification: Uncertain significance for Cardiovascular phenotype. Last evaluated: 2024-01-17. Review status: criteria provided, single submitter. Criteria: Ambry Variant Classification Scheme 2023. Collection method: clinical testing. Allele origin: germline.
Comment: The p.I1302T variant (also known as c.3905T>C), located in coding exon 23 of the SOS1 gene, results from a T to C substitution at nucleotide position 3905. The isoleucine at codon 1302 is replaced by threonine, an amino acid with similar properties. This amino acid position is conserved. In addition, the in silico prediction for this alteration is inconclusive. Based on the available evidence, the clinical significance of this alteration remains unclear.

Fulgent Genetics
Classification: Uncertain significance for Fibromatosis, gingival, 1; Noonan syndrome 4. Last evaluated: 2021-07-23. Review status: criteria provided, single submitter. Criteria: ACMG Guidelines, 2015. Collection method: clinical testing. Allele origin: unknown.

GeneDx
Classification: Uncertain significance. Last evaluated: 2020-12-04. Review status: criteria provided, single submitter. Criteria: GeneDx Variant Classification Process June 2021. Collection method: clinical testing. Allele origin: germline. Affected: yes.
Comment: Missense variants in this gene are often considered pathogenic (Stenson et al., 2014); In silico analysis supports that this missense variant does not alter protein structure/function; Has not been previously published as pathogenic or benign to our knowledge; A different missense change at this residue (I1302V) has been reported in the Human Gene Mutation Database in association with Noonan syndrome (Landrum et al., 2016)

Genome-Nilou Lab
Classification: Uncertain significance for Noonan syndrome 4. Review status: criteria provided, single submitter. Criteria: ACMG Guidelines, 2015. Collection method: clinical testing. Allele origin: germline.

Genome-Nilou Lab
Classification: Uncertain significance for Fibromatosis, gingival, 1. Review status: criteria provided, single submitter. Criteria: ACMG Guidelines, 2015. Collection method: clinical testing. Allele origin: germline.

GeneDx
Classification: Uncertain significance. Last evaluated: 2015-10-29. Review status: flagged submission. Criteria: GeneDx Variant Classification (06012015). Collection method: clinical testing. Allele origin: germline. Affected: yes. Not counted in ClinVar's aggregate classification.
Comment: The I1302T variant has not been published as a pathogenic variant, nor has it been reported as a benign variant to our knowledge. The I1302T variant was not observed in approximately 6,500 individuals of European and African American ancestry in the NHLBI Exome Sequencing Project, indicating it is not a common benign variant in these populations. The I1302T variant is a non-conservative amino acid substitution, which is likely to impact secondary protein structure as these residues differ in polarity, charge, size and/or other properties. This substitution occurs at a position where amino acids with similar properties to Isoleucine are tolerated across species. However, in silico analysis is inconsistent in its predictions as to whether or not the variant is damaging to the protein structure/function. Furthermore, missense variants in nearby residues have not been reported in the Human Gene Mutation Database (Stenson et al., 2014).Therefore, based on the currently available information, it is unclear whether this variant is a pathogenic variant or a rare benign variant
ClinVar note: Reason: This record appears to be redundant with a more recent record from the same submitter.
ClinVar note: Notes: SCV000490825 appears to be redundant with SCV001825418.

NM_005633.4(SOS1):c.3905T>C (p.Ile1302Thr)

Gene: SOS1 (SOS Ras/Rac guanine nucleotide exchange factor 1; minus strand). Cytogenetic location: 2p22.1.
Variant type: single nucleotide variant.
Coding change: c.3905T>C on transcript NM_005633.4 (MANE Select); coding-DNA position 3905, T replaced by C.
Protein change: p.Ile1302Thr; replaces isoleucine 1302 with threonine.
Molecular consequence: missense variant.
Genome position (GRCh38, 1-based): chr2:38,985,921, A>G on the plus strand (T>C on the coding strand, the complement: SOS1 is on the minus strand). VCF-style: chr2-38985921-A-G. GRCh37 (hg19) VCF-style: chr2-39213062-A-G.
Other names: c.3884T>C, p.Ile1295Thr (NM_001382394.1); c.3860T>C, p.Ile1287Thr (NM_001382395.1); short protein forms I1302T, I1287T, I1295T.
Identifiers: ClinVar variation 372513 (VCV000372513.14), dbSNP rs750296853, ClinGen allele CA1624097.